The following is an entry in ClinVar:

ClinVar aggregate classification (germline): Uncertain significance (1 of 4 stars; one submission).

Submission:

Labcorp Genetics (formerly Invitae), Labcorp
Classification: Uncertain significance. Last evaluated: 2022-02-04. Review status: criteria provided, single submitter. Criteria: Invitae Variant Classification Sherloc (09022015). Collection method: clinical testing. Allele origin: germline.
Comment: In summary, the available evidence is currently insufficient to determine the role of this variant in disease. Therefore, it has been classified as a Variant of Uncertain Significance. Advanced modeling of protein sequence and biophysical properties (such as structural, functional, and spatial information, amino acid conservation, physicochemical variation, residue mobility, and thermodynamic stability) performed at Invitae indicates that this missense variant is expected to disrupt HUWE1 protein function. This variant has not been reported in the literature in individuals affected with HUWE1-related conditions. This variant is not present in population databases (gnomAD no frequency). This sequence change replaces isoleucine, which is neutral and non-polar, with methionine, which is neutral and non-polar, at codon 1253 of the HUWE1 protein (p.Ile1253Met).

NM_031407.7(HUWE1):c.3759C>G (p.Ile1253Met)

Genes: HUWE1 (HECT, UBA and WWE domain containing E3 ubiquitin protein ligase 1; minus strand), LOC126863263 (BRD4-independent group 4 enhancer GRCh37_chrX:53619238-53620437; plus strand). Cytogenetic location: Xp11.22.
Variant type: single nucleotide variant.
Coding change: c.3759C>G on transcript NM_031407.7 (MANE Select); coding-DNA position 3759, C replaced by G.
Protein change: p.Ile1253Met; replaces isoleucine 1253 with methionine.
Molecular consequence: missense variant.
Genome position (GRCh38, 1-based): chrX:53,592,611, G>C on the plus strand (C>G on the coding strand, the complement: HUWE1 is on the minus strand). VCF-style: chrX-53592611-G-C. GRCh37 (hg19) VCF-style: chrX-53619571-G-C.
Other names: short protein forms I1253M.
Identifiers: ClinVar variation 2092732 (VCV002092732.4), dbSNP rs2526101798, ClinGen allele CA413177928.
Genomic context (GRCh38, chrX:53,592,611, plus strand): 5'-CATCGATTCAGCCATTCGTCCACCATATACCTTCAGGGGTTTCCGGTTCCATAAGTTTTT[G>C]ATGCAAGTAAAGGCTGCCTGTAAGTAATTTGAAAAGTGTGTGAAAATCATTTTGCTTCAA-3'
Protein context (NP_113584.3, residues 1243-1263): VVTQKAAFTC[Ile1253Met]KNLWNRKPLK